The following is an entry in ClinVar:

NM_000135.4(FANCA):c.830C>T (p.Ala277Val)

Gene: FANCA (FA complementation group A; minus strand). Cytogenetic location: 16q24.3.
Variant type: single nucleotide variant.
Coding change: c.830C>T on transcript NM_000135.4 (MANE Select); coding-DNA position 830, C replaced by T.
Protein change: p.Ala277Val; replaces alanine 277 with valine.
Molecular consequence: missense variant.
Genome position (GRCh38, 1-based): chr16:89,799,229, G>A on the plus strand (C>T on the coding strand, the complement: FANCA is on the minus strand). VCF-style: chr16-89799229-G-A. GRCh37 (hg19) VCF-style: chr16-89865637-G-A.
Other names: c.830C>T (NM_000135.2, NM_000135.3); c.830C>T, p.Ala277Val (NM_001018112.3, NM_001286167.3); c.734C>T, p.Ala245Val (NM_001351830.2); short protein forms A277V, A245V.
Identifiers: ClinVar variation 1390733 (VCV001390733.6), dbSNP rs35880318, ClinGen allele CA397473174.
Genomic context (GRCh38, chr16:89,799,229, plus strand): 5'-CACCTCACGATCTTGTGAGTGGAGGACTCCTCCTGTACTCCAGCAGCCAAAGCGTCAAGT[G>A]CAACTGAAGACAGAGCCAGGAACAGAAAACAGATGTCAGCACACGGCGGCAGCCCACCAG-3'
Protein context (NP_000126.2, residues 267-287): VDVLQRMLIF[Ala277Val]LDALAAGVQE

ClinVar aggregate classification (germline): Uncertain significance. Review status: criteria provided, multiple submitters, no conflicts (2 of 4 stars). 3 submissions from 3 submitters: Uncertain significance (2). 1 of the submissions does not count toward it. Last evaluated 2026-06-02.

Conditions:
Inborn genetic diseases. Identifiers: MedGen C0950123, MeSH D030342.
Fanconi anemia (FA). Also called: Fanconi's anemia. Identifiers: Orphanet 84, MedGen C0015625, MeSH D005199, MONDO:0019391.

Submissions (3):

Ambry Genetics
Classification: Uncertain significance for Inborn genetic diseases. Last evaluated: 2026-06-02. Review status: criteria provided, single submitter. Criteria: Ambry Variant Classification Scheme 2023. Collection method: clinical testing. Allele origin: germline.
Comment: The p.A277V variant (also known as c.830C>T), located in coding exon 10 of the FANCA gene, results from a C to T substitution at nucleotide position 830. The alanine at codon 277 is replaced by valine, an amino acid with similar properties. This amino acid position is conserved. In addition, this alteration is predicted to be tolerated by in silico analysis. Based on the available evidence, the clinical significance of this variant remains unclear.

Labcorp Genetics (formerly Invitae), Labcorp
Classification: Uncertain significance for Fanconi anemia. Last evaluated: 2021-11-01. Review status: criteria provided, single submitter. Criteria: Invitae Variant Classification Sherloc (09022015). Collection method: clinical testing. Allele origin: germline.
Comment: This sequence change replaces alanine, which is neutral and non-polar, with valine, which is neutral and non-polar, at codon 277 of the FANCA protein (p.Ala277Val). This variant is not present in population databases (gnomAD no frequency). This variant has not been reported in the literature in individuals affected with FANCA-related conditions. Advanced modeling of protein sequence and biophysical properties (such as structural, functional, and spatial information, amino acid conservation, physicochemical variation, residue mobility, and thermodynamic stability) performed at Invitae indicates that this missense variant is not expected to disrupt FANCA protein function. In summary, the available evidence is currently insufficient to determine the role of this variant in disease. Therefore, it has been classified as a Variant of Uncertain Significance.

Natera, Inc.
Classification: Uncertain significance for Fanconi anemia. Last evaluated: 2025-05-28. Review status: no assertion criteria provided. Collection method: clinical testing. Allele origin: germline. Not counted in ClinVar's aggregate classification.